The following is an entry in ClinVar:

ClinVar aggregate classification (germline): Pathogenic. Review status: criteria provided, multiple submitters, no conflicts (2 of 4 stars). 2 submissions from 2 submitters: Pathogenic (2). Last evaluated 2025-04-30.

Conditions:
Inborn genetic diseases. Identifiers: MedGen C0950123, MeSH D030342.

Submissions (2):

GeneDx
Classification: Pathogenic. Last evaluated: 2025-04-30. Review status: criteria provided, single submitter. Criteria: GeneDx Variant Classification Process June 2021. Collection method: clinical testing. Allele origin: germline. Affected: yes.
Comment: Identified in a patient with focal epilepsy in published literature (PMID: 26795593); Nonsense variant predicted to result in protein truncation or nonsense mediated decay in a gene for which loss of function is a known mechanism of disease; Not observed at significant frequency in large population cohorts (gnomAD); This variant is associated with the following publications: (PMID: 26795593, 33057194, 35982159)

Ambry Genetics
Classification: Pathogenic for Inborn genetic diseases. Last evaluated: 2015-02-26. Review status: criteria provided, single submitter. Criteria: Ambry exome assertion method (8-5-2015). Collection method: clinical testing. Allele origin: germline. Affected: yes. Observed: 1 variant allele.

NM_001029896.2(WDR45):c.46C>T (p.Gln16Ter)

Genes: WDR45 (WD repeat domain 45; minus strand), LOC126863256 (BRD4-independent group 4 enhancer GRCh37_chrX:48934848-48936047; plus strand). Cytogenetic location: Xp11.23.
Variant type: single nucleotide variant.
Coding change: c.46C>T on transcript NM_001029896.2 (MANE Select); coding-DNA position 46, C replaced by T.
Protein change: p.Gln16Ter; replaces glutamine 16 with a stop codon.
Molecular consequence: nonsense.
Genome position (GRCh38, 1-based): chrX:49,078,050, G>A on the plus strand (C>T on the coding strand, the complement: WDR45 is on the minus strand). VCF-style: chrX-49078050-G-A. GRCh37 (hg19) VCF-style: chrX-48935709-G-A.
Other names: c.46C>T, p.Gln16Ter (NM_007075.4); short protein forms Q16*.
Identifiers: ClinVar variation 265291 (VCV000265291.6), dbSNP rs1557084549, ClinGen allele CA10588790.